The following is an entry in ClinVar:

ClinVar aggregate classification (germline): Uncertain significance (1 of 4 stars; one submission).

Conditions:
Neurofibromatosis, type 1 (NF1). Also called: Peripheral type neurofibromatosis; VON RECKLINGHAUSEN DISEASE; Neurofibromatosis, type I; NEUROFIBROMATOSIS, TYPE I, SOMATIC. Identifiers: Orphanet 636, MedGen C0027831, MONDO:0018975, OMIM 162200. Disease mechanism: loss of function.

Submission:

Labcorp Genetics (formerly Invitae), Labcorp
Classification: Uncertain significance for Neurofibromatosis, type 1. Last evaluated: 2023-11-05. Review status: criteria provided, single submitter. Criteria: Invitae Variant Classification Sherloc (09022015). Collection method: clinical testing. Allele origin: germline.
Comment: This sequence change replaces glycine, which is neutral and non-polar, with arginine, which is basic and polar, at codon 2518 of the NF1 protein (p.Gly2518Arg). This variant also falls at the last nucleotide of exon 50, which is part of the consensus splice site for this exon. This variant is not present in population databases (gnomAD no frequency). This variant has not been reported in the literature in individuals affected with NF1-related conditions. An algorithm developed to predict the effect of missense changes on protein structure and function (PolyPhen-2) suggests that this variant is likely to be disruptive. Variants that disrupt the consensus splice site are a relatively common cause of aberrant splicing (PMID: 17576681, 9536098). Algorithms developed to predict the effect of sequence changes on RNA splicing suggest that this variant may disrupt the consensus splice site. In summary, the available evidence is currently insufficient to determine the role of this variant in disease. Therefore, it has been classified as a Variant of Uncertain Significance.

Literature cited by the submitters: PubMed 17576681; PubMed 9536098.

NM_001042492.3(NF1):c.7615G>A (p.Gly2539Arg)

Gene: NF1 (neurofibromin 1; plus strand). Cytogenetic location: 17q11.2.
Variant type: single nucleotide variant.
Coding change: c.7615G>A on transcript NM_001042492.3 (MANE Select); coding-DNA position 7615, G replaced by A.
Protein change: p.Gly2539Arg; replaces glycine 2539 with arginine.
Molecular consequence: missense variant.
Genome position (GRCh38, 1-based): chr17:31,352,414, G>A. VCF-style: chr17-31352414-G-A. GRCh37 (hg19) VCF-style: chr17-29679432-G-A.
Other names: c.7552G>A, p.Gly2518Arg (NM_000267.4); short protein forms G2518R, G2539R.
Identifiers: ClinVar variation 2693379 (VCV002693379.2), dbSNP rs2151577458, ClinGen allele CA399017897.